The following is an entry in ClinVar:

NM_006214.4(PHYH):c.245+6G>C

Gene: PHYH (phytanoyl-CoA 2-hydroxylase; minus strand). Cytogenetic location: 10p13.
Variant type: single nucleotide variant.
Coding change: c.245+6G>C on transcript NM_006214.4 (MANE Select); 6 bases into the intron after coding-DNA position 245, G replaced by C.
Molecular consequence: intron variant.
Genome position (GRCh38, 1-based): chr10:13,295,490, C>G on the plus strand (G>C on the coding strand, the complement: PHYH is on the minus strand). VCF-style: chr10-13295490-C-G. GRCh37 (hg19) VCF-style: chr10-13337490-C-G.
Other names: c.245+6G>C (NM_001323083.2, NM_001323082.2); c.-56+6G>C (NM_001037537.2, NM_001323084.2, NM_001323080.2).
Identifiers: ClinVar variation 1943635 (VCV001943635.4), dbSNP rs1354029026, ClinGen allele CA1891551982.

ClinVar aggregate classification (germline): Uncertain significance (1 of 4 stars; one submission).

Allele frequency attached by ClinVar (database versions not stated): gnomAD exomes below 0.00001.

Submission:

Labcorp Genetics (formerly Invitae), Labcorp
Classification: Uncertain significance. Last evaluated: 2024-04-24. Review status: criteria provided, single submitter. Criteria: Invitae Variant Classification Sherloc (09022015). Collection method: clinical testing. Allele origin: germline.
Comment: This sequence change falls in intron 3 of the PHYH gene. It does not directly change the encoded amino acid sequence of the PHYH protein. It affects a nucleotide within the consensus splice site. This variant is not present in population databases (gnomAD no frequency). This variant has not been reported in the literature in individuals affected with PHYH-related conditions. ClinVar contains an entry for this variant (Variation ID: 1943635). Variants that disrupt the consensus splice site are a relatively common cause of aberrant splicing (PMID: 17576681, 9536098). Algorithms developed to predict the effect of sequence changes on RNA splicing suggest that this variant is not likely to affect RNA splicing. In summary, the available evidence is currently insufficient to determine the role of this variant in disease. Therefore, it has been classified as a Variant of Uncertain Significance.

Literature cited by the submitters: PubMed 17576681; PubMed 9536098.